The following is an entry in ClinVar:

ClinVar aggregate classification (germline): Benign/Likely benign. Review status: criteria provided, multiple submitters, no conflicts (2 of 4 stars). 2 submissions from 2 submitters: Benign (1); Likely benign (1). Last evaluated 2022-04-08.

Conditions:
Hereditary spastic paraplegia 28. Also called: Spastic paraplegia 28, autosomal recessive. Identifiers: Orphanet 101008, MedGen C1836295, MONDO:0012256, OMIM 609340.

Submissions (2):

Labcorp Genetics (formerly Invitae), Labcorp
Classification: Benign for Hereditary spastic paraplegia 28. Last evaluated: 2022-04-08. Review status: criteria provided, single submitter. Criteria: Invitae Variant Classification Sherloc (09022015). Collection method: clinical testing. Allele origin: germline.

GeneDx
Classification: Likely benign. Last evaluated: 2016-04-14. Review status: criteria provided, single submitter. Criteria: GeneDx Variant Classification (06012015). Collection method: clinical testing. Allele origin: germline. Affected: yes.
Comment: This variant is considered likely benign or benign based on one or more of the following criteria: it is a conservative change, it occurs at a poorly conserved position in the protein, it is predicted to be benign by multiple in silico algorithms, and/or has population frequency not consistent with disease.

NM_001160148.2(DDHD1):c.1397-5del

Gene: DDHD1 (DDHD domain containing 1; minus strand). Cytogenetic location: 14q22.1.
Variant type: Deletion.
Coding change: c.1397-5del on transcript NM_001160148.2 (MANE Select); 5 bases into the intron before coding-DNA position 1397, one base deleted (T; older notation c.1397-5delT).
Molecular consequence: intron variant.
Genome position (GRCh38, 1-based): chr14:53,072,708, A deleted on the plus strand (T on the coding strand, the reverse complement: DDHD1 is on the minus strand); the first of 5 consecutive A bases (chr14:53,072,708-53,072,712); deleting any one gives the same sequence. VCF-style (leftmost placement, unchanged base first): chr14-53072707-CA-C. GRCh37 (hg19) VCF-style: chr14-53539425-CA-C.
Other names: c.1397-5del (NM_030637.3); c.1418-5del (NM_001160147.2); c.1418-5delT (NM_001160147.1).
Identifiers: ClinVar variation 420715 (VCV000420715.8), dbSNP rs752225098, ClinGen allele CA7191235.